The following is an entry in ClinVar:

ClinVar aggregate classification (germline): Uncertain significance. Review status: criteria provided, multiple submitters, no conflicts (2 of 4 stars). 2 submissions from 2 submitters: Uncertain significance (2). Last evaluated 2024-05-20.

Conditions:
Joubert syndrome. Also called: Familial aplasia of the vermis; JOUBERT-BOLTSHAUSER SYNDROME. Identifiers: Orphanet 475, MedGen C5979921, MONDO:0018772.
Meckel-Gruber syndrome. Also called: Dysencephalia splachnocystica; DYSENCEPHALIA SPLANCHNOCYSTICA; GRUBER SYNDROME. Identifiers: Orphanet 564, MedGen C0265215, MONDO:0018921.

Submissions (2):

Labcorp Genetics (formerly Invitae), Labcorp
Classification: Uncertain significance for Joubert syndrome; Meckel-Gruber syndrome. Last evaluated: 2024-05-20. Review status: criteria provided, single submitter. Criteria: Invitae Variant Classification Sherloc (09022015). Collection method: clinical testing. Allele origin: germline.
Comment: This variant, c.1779_1781del, results in the deletion of 1 amino acid(s) of the CC2D2A protein (p.Lys594del), but otherwise preserves the integrity of the reading frame. This variant is not present in population databases (gnomAD no frequency). This variant has not been reported in the literature in individuals affected with CC2D2A-related conditions. Experimental studies and prediction algorithms are not available or were not evaluated, and the functional significance of this variant is currently unknown. In summary, the available evidence is currently insufficient to determine the role of this variant in disease. Therefore, it has been classified as a Variant of Uncertain Significance.

Eurofins Ntd Llc (ga)
Classification: Uncertain significance. Last evaluated: 2016-06-30. Review status: criteria provided, single submitter. Criteria: EGL Classification Definitions 2015. Collection method: clinical testing. Allele origin: germline. Observed: 1 variant allele, 1 heterozygote.

NM_001378615.1(CC2D2A):c.1773GAA[2] (p.Lys594del)

Genes: CC2D2A (coiled-coil and C2 domain containing 2A; plus strand), FBXL5 (F-box and leucine rich repeat protein 5; minus strand). Cytogenetic location: 4p15.32.
Variant type: Microsatellite.
Coding change: c.1773GAA[2] on transcript NM_001378615.1 (MANE Select); two copies in a row of the 3-base unit GAA starting at c.1773; the reference has three copies in a row; one copy, 3 bases deleted.
Protein change: p.Lys594del; deletes lysine 594.
Molecular consequence: inframe deletion.
Genome position (GRCh38, 1-based): chr4:15,537,913-15,537,915, GAA deleted; deleting any 3 consecutive bases within chr4:15,537,905-15,537,915 gives the same sequence; the position shown is the placement nearest the transcript's 3' end. VCF-style (leftmost placement, unchanged base first): chr4-15537904-CAAG-C. GRCh37 (hg19) VCF-style: chr4-15539527-CAAG-C.
Other names: c.1773GAA[2], p.Lys594del (NM_001080522.2); c.1626GAA[2], p.Lys545del (NM_001378617.1); short protein forms K594del, K545del.
Identifiers: ClinVar variation 289198 (VCV000289198.13), dbSNP rs886044115, ClinGen allele CA10606366.
Genomic context (GRCh38, chr4:15,537,904, plus strand): 5'-CTTAAATGAAATTCCAAAATTCCTGTTTGATATCATGTTGCCTCTAACTCAACAGAGGGC[CAAG>C]AAGAAGAAAAGGAAACAAGCAGCAGAAGAACATCCCGGTGATGAGATTGCAGAGCCGTAT-3'